The following is an entry in ClinVar:

ClinVar aggregate classification (germline): Uncertain significance (1 of 4 stars; one submission).

Submission:

Labcorp Genetics (formerly Invitae), Labcorp
Classification: Uncertain significance. Last evaluated: 2025-12-19. Review status: criteria provided, single submitter. Criteria: Invitae Variant Classification Sherloc (09022015). Collection method: clinical testing. Allele origin: germline.
Comment: This sequence change replaces aspartic acid, which is acidic and polar, with histidine, which is basic and polar, at codon 303 of the OAS1 protein (p.Asp303His). Information on the frequency of this variant in the gnomAD database is not available, as this variant may be reported differently in the database. This variant has not been reported in the literature in individuals affected with OAS1-related conditions. ClinVar contains an entry for this variant (Variation ID: 1897277). Experimental studies and prediction algorithms are not available or were not evaluated, and the functional significance of this variant is currently unknown. In summary, the available evidence is currently insufficient to determine the role of this variant in disease. Therefore, it has been classified as a Variant of Uncertain Significance.

NM_016816.4(OAS1):c.906_907delinsAC (p.Asp303His)

Gene: OAS1 (2'-5'-oligoadenylate synthetase 1; plus strand). Cytogenetic location: 12q24.13.
Variant type: Indel.
Coding change: c.906_907delinsAC on transcript NM_016816.4 (MANE Select); coding-DNA positions 906 to 907, GG replaced by AC.
Protein change: p.Asp303His; replaces aspartic acid 303 with histidine.
Molecular consequence: missense variant.
Genome position (GRCh38, 1-based): chr12:112,917,568-112,917,569, GG replaced by AC. VCF-style: chr12-112917568-GG-AC. GRCh37 (hg19) VCF-style: chr12-113355373-GG-AC.
Other names: c.906_907delinsAC, p.Asp303His (NM_001032409.3, NM_001320151.2, NM_002534.4); c.882_883delGGinsAC, p.Asp295His (NM_001406020.1, NM_001406021.1, NM_001406023.1 and 2 more transcripts); c.906_907delGGinsAC, p.Asp303His (NM_001406022.1, NM_001412228.1); c.432_433delGGinsAC, p.Asp145His (NM_001406026.1, NM_001406027.1, NM_001406029.1 and 1 more transcripts); short protein forms D295H, D303H, D145H.
Identifiers: ClinVar variation 1897277 (VCV001897277.5), dbSNP rs2540976990, ClinGen allele CA2580085822.